The following is an entry in ClinVar:

NM_022124.6(CDH23):c.7919_7925dup (p.Gly2643_Leu2644insTerGly)

Genes: CDH23 (cadherin related 23; plus strand), LOC111982869 (Sharpr-MPRA regulatory region 2121; plus strand). Cytogenetic location: 10q22.1.
Variant type: Duplication.
Coding change: c.7919_7925dup on transcript NM_022124.6 (MANE Select); coding-DNA positions 7919 to 7925, 7 bases duplicated (AGGATGA; older notation c.7919_7925dupAGGATGA).
Protein change: p.Gly2643_Leu2644insTerGly.
Molecular consequence: nonsense, inframe insertion.
Genome position (GRCh38, 1-based): chr10:71,805,852-71,805,858, AGGATGA duplicated; duplicating any 7 consecutive bases within chr10:71,805,851-71,805,858 gives the same sequence; the c. name uses the placement nearest the transcript's 3' end. VCF-style (leftmost placement, unchanged base first): chr10-71805850-C-CAAGGATG. GRCh37 (hg19) VCF-style: chr10-73565607-C-CAAGGATG.
Other names: c.1199_1205dup, p.Gly403_Leu404insTerGly (NM_001171933.1, NM_001171934.1).
Identifiers: ClinVar variation 839420 (VCV000839420.7), dbSNP rs769879897, ClinGen allele CA209474070.

ClinVar aggregate classification (germline): Pathogenic (1 of 4 stars; one submission).

Submission:

Labcorp Genetics (formerly Invitae), Labcorp
Classification: Pathogenic. Last evaluated: 2020-10-27. Review status: criteria provided, single submitter. Criteria: Invitae Variant Classification Sherloc (09022015). Collection method: clinical testing. Allele origin: germline.
Comment: This sequence change creates a premature translational stop signal (p.Leu2644*) in the CDH23 gene. It is expected to result in an absent or disrupted protein product. For these reasons, this variant has been classified as Pathogenic. Loss-of-function variants in CDH23 are known to be pathogenic (PMID: 11138009, 21940737). This variant has not been reported in the literature in individuals with CDH23-related conditions. This variant is not present in population databases (ExAC no frequency).

Literature cited by the submitters: PubMed 11138009; PubMed 21940737.